The following is an entry in ClinVar:

NM_001999.4(FBN2):c.7338T>C (p.Asp2446=)

Gene: FBN2 (fibrillin 2; minus strand). Cytogenetic location: 5q23.3.
Variant type: single nucleotide variant.
Coding change: c.7338T>C on transcript NM_001999.4 (MANE Select); coding-DNA position 7338, T replaced by C.
Protein change: p.Asp2446=; no amino-acid change (aspartic acid 2446 retained).
Molecular consequence: synonymous variant.
Genome position (GRCh38, 1-based): chr5:128,278,642, A>G on the plus strand (T>C on the coding strand, the complement: FBN2 is on the minus strand). VCF-style: chr5-128278642-A-G. GRCh37 (hg19) VCF-style: chr5-127614334-A-G.
Identifiers: ClinVar variation 904611 (VCV000904611.13), dbSNP rs751824761, ClinGen allele CA3394154.

ClinVar aggregate classification (germline): Conflicting classifications of pathogenicity. Review status: criteria provided, conflicting classifications (1 of 4 stars). 4 submissions from 4 submitters: Uncertain significance (1); Likely benign (2). 1 of the submissions does not count toward it. Last evaluated 2024-05-26.

Conditions:
Familial thoracic aortic aneurysm and aortic dissection (TAAD). Also called: Thoracic aortic aneurysms and dissections. Identifiers: Orphanet 91387, MedGen C4707243, MONDO:0019625.
FBN2-related disorder. Also called: FBN2-related condition.
Congenital contractural arachnodactyly (CCA). Also called: BEALS SYNDROME; Beals-Hecht syndrome; Arthrogryposis, distal, type 9. Identifiers: Orphanet 115, MedGen C0220668, MONDO:0007363, OMIM 121050.

Allele frequency attached by ClinVar (database versions not stated): gnomAD exomes 0.00001 and 0.00002; ExAC 0.00002; TOPMed 0.00002; gnomAD 0.00003.
gnomAD v4.1: 21 of 1,613,648 alleles (0.0013%); highest among the groups gnomAD compares: African/African-American, 0.0067%; no homozygotes.

Submissions (4):

Ambry Genetics
Classification: Likely benign for Familial thoracic aortic aneurysm and aortic dissection. Last evaluated: 2024-05-26. Review status: criteria provided, single submitter. Criteria: Ambry Variant Classification Scheme 2023. Collection method: clinical testing. Allele origin: germline.

Labcorp Genetics (formerly Invitae), Labcorp
Classification: Likely benign for Congenital contractural arachnodactyly. Last evaluated: 2023-11-09. Review status: criteria provided, single submitter. Criteria: Invitae Variant Classification Sherloc (09022015). Collection method: clinical testing. Allele origin: germline.

Illumina Laboratory Services, Illumina
Classification: Uncertain significance for Congenital contractural arachnodactyly. Last evaluated: 2018-01-12. Review status: criteria provided, single submitter. Criteria: ICSL Variant Classification Criteria 13 December 2019. Collection method: clinical testing. Allele origin: germline.

PreventionGenetics, part of Exact Sciences
Classification: Likely benign for FBN2-related condition. Last evaluated: 2024-05-15. Review status: no assertion criteria provided. Collection method: clinical testing. Allele origin: germline. Not counted in ClinVar's aggregate classification.
Comment: This variant is classified as likely benign based on ACMG/AMP sequence variant interpretation guidelines (Richards et al. 2015 PMID: 25741868, with internal and published modifications).